The following is an entry in ClinVar:

NM_001267550.2(TTN):c.64849del (p.Thr21617fs)

Genes: TTN (titin; minus strand), TTN-AS1 (TTN antisense RNA 1; plus strand). Cytogenetic location: 2q31.2.
Variant type: Deletion.
Coding change: c.64849del on transcript NM_001267550.2 (MANE Select); coding-DNA position 64849, one base deleted (A; older notation c.64849delA).
Protein change: p.Thr21617fs; shifts the reading frame from threonine 21617.
Molecular consequence: frameshift variant. On other transcripts: non-coding transcript variant (1).
Genome position (GRCh38, 1-based): chr2:178,584,792, T deleted on the plus strand (A on the coding strand, the reverse complement: TTN is on the minus strand); the first of 5 consecutive T bases (chr2:178,584,792-178,584,796); deleting any one gives the same sequence. VCF-style (leftmost placement, unchanged base first): chr2-178584791-GT-G. GRCh37 (hg19) VCF-style: chr2-179449518-GT-G.
Other names: c.59926del, p.Thr19976fs (NM_001256850.1); c.37654del, p.Thr12552fs (NM_003319.4); c.57145del, p.Thr19049fs (NM_133378.4); c.38029del, p.Thr12677fs (NM_133432.3); c.38230del, p.Thr12744fs (NM_133437.4); c.37654delA (NM_003319.4); short protein forms T12677fs, T19049fs, T19976fs, T12744fs, T21617fs, T12552fs.
Identifiers: ClinVar variation 1734706 (VCV001734706.2), dbSNP rs2469155018, ClinGen allele CA2580064656.
Genomic context (GRCh38, chr2:178,584,791, plus strand): 5'-TCAGCACGGACCCGGAAGATGTACTCCTGGCCTGGGATCAGCTTTCCAACCCTGCAGGAA[GT>G]TTTTGTGACTGAAGCTAGAGCCGTGACCCAGTCACCTCGGCTTACATCACACTTCTCCAC-3'

ClinVar aggregate classification (germline): Likely pathogenic (1 of 4 stars; one submission).

Conditions:
Cardiovascular phenotype. Identifiers: MedGen CN230736.

Submission:

Ambry Genetics
Classification: Likely pathogenic for Cardiovascular phenotype. Last evaluated: 2020-03-24. Review status: criteria provided, single submitter. Criteria: Ambry Variant Classification Scheme 2023. Collection method: clinical testing. Allele origin: germline.
Comment: The c.37654delA variant, located in coding exon 137 of the TTN gene, results from a deletion of one nucleotide at nucleotide position 37654, causing a translational frameshift with a predicted alternate stop codon (p.T12552Lfs*8). This exon is located in the A-band region of the N2-B isoform of the titin protein and is constitutively expressed in TTN transcripts (percent spliced in or PSI 100%). This alteration is expected to result in loss of function by premature protein truncation or nonsense-mediated mRNA decay. While truncating variants in TTN are present in 1-3% of the general population, truncating variants in the A-band are the most common cause of dilated cardiomyopathy (DCM) (Herman DS et al. N. Engl. J. Med., 2012 Feb;366:619-28; Roberts AM et al. Sci Transl Med, 2015 Jan;7:270ra6). TTN truncating variants encoded in constitutive exons (PSI >90%) have been found to be significantly associated with DCM regardless of their position in titin (Schafer S et al. Nat. Genet., 2017 01;49:46-53). As such, this alteration is classified as likely pathogenic.